The following is an entry in ClinVar:

NM_001626.6(AKT2):c.888C>T (p.Leu296=)

Gene: AKT2 (AKT serine/threonine kinase 2; minus strand). Cytogenetic location: 19q13.2.
Variant type: single nucleotide variant.
Coding change: c.888C>T on transcript NM_001626.6 (MANE Select); coding-DNA position 888, C replaced by T.
Protein change: p.Leu296=; no amino-acid change (leucine 296 retained).
Molecular consequence: synonymous variant. On other transcripts: intron variant (1).
Genome position (GRCh38, 1-based): chr19:40,236,329, G>A on the plus strand (C>T on the coding strand, the complement: AKT2 is on the minus strand). VCF-style: chr19-40236329-G-A. GRCh37 (hg19) VCF-style: chr19-40742236-G-A.
Other names: c.702C>T, p.Leu234= (NM_001243027.3, NM_001243028.3); c.832-225C>T (NM_001330511.1).
Identifiers: ClinVar variation 4982782 (VCV004982782.1).

ClinVar aggregate classification (germline): Likely benign (1 of 4 stars; one submission).

Conditions:
AKT2-related disorder. Also called: AKT2-related condition.

gnomAD v4.1: 1 of 1,614,216 alleles (0.000062%); highest among the groups gnomAD compares: Non-Finnish European, 0.000085%; no homozygotes.

Submission:

PreventionGenetics, part of Exact Sciences
Classification: Likely benign for AKT2-related condition. Last evaluated: 2024-12-02. Review status: criteria provided, single submitter. Criteria: ACMG Guidelines, 2015. Collection method: clinical testing. Allele origin: germline.
Comment: This variant is classified as likely benign based on ACMG/AMP sequence variant interpretation guidelines (Richards et al. 2015 PMID: 25741868, with internal and published modifications).